The following is an entry in ClinVar:

ClinVar aggregate classification (germline): Uncertain significance (1 of 4 stars; one submission).

Conditions:
Developmental and epileptic encephalopathy, 34 (DEE34). Also called: SLC12A5-Related Epilepsy of Infancy with Migrating Focal Seizures; Early infantile epileptic encephalopathy 34. Identifiers: Orphanet 293181, MedGen C4225257, MONDO:0014718, OMIM 616645.

Allele frequency attached by ClinVar (database versions not stated): TOPMed below 0.00001; gnomAD 0.00001.

Submission:

Labcorp Genetics (formerly Invitae), Labcorp
Classification: Uncertain significance for Developmental and epileptic encephalopathy, 34. Last evaluated: 2022-11-22. Review status: criteria provided, single submitter. Criteria: Invitae Variant Classification Sherloc (09022015). Collection method: clinical testing. Allele origin: germline.
Comment: This sequence change replaces proline, which is neutral and non-polar, with arginine, which is basic and polar, at codon 1001 of the SLC12A5 protein (p.Pro1001Arg). This variant is not present in population databases (gnomAD no frequency). This variant has not been reported in the literature in individuals affected with SLC12A5-related conditions. ClinVar contains an entry for this variant (Variation ID: 1428540). Advanced modeling of protein sequence and biophysical properties (such as structural, functional, and spatial information, amino acid conservation, physicochemical variation, residue mobility, and thermodynamic stability) performed at Invitae indicates that this missense variant is not expected to disrupt SLC12A5 protein function. In summary, the available evidence is currently insufficient to determine the role of this variant in disease. Therefore, it has been classified as a Variant of Uncertain Significance.

NM_020708.5(SLC12A5):c.3002C>G (p.Pro1001Arg)

Gene: SLC12A5 (solute carrier family 12 member 5; plus strand). Cytogenetic location: 20q13.12.
Variant type: single nucleotide variant.
Coding change: c.3002C>G on transcript NM_020708.5 (MANE Select); coding-DNA position 3002, C replaced by G.
Protein change: p.Pro1001Arg; replaces proline 1001 with arginine.
Molecular consequence: missense variant.
Genome position (GRCh38, 1-based): chr20:46,056,456, C>G. VCF-style: chr20-46056456-C-G. GRCh37 (hg19) VCF-style: chr20-44685095-C-G.
Other names: c.3071C>G, p.Pro1024Arg (NM_001134771.2); short protein forms P1001R, P1024R.
Identifiers: ClinVar variation 1428540 (VCV001428540.5), dbSNP rs749426883, ClinGen allele CA409207814.